The following is an entry in ClinVar:

NM_000091.5(COL4A3):c.3079G>A (p.Gly1027Arg)

Genes: MFF-DT (MFF divergent transcript; minus strand), COL4A3 (collagen type IV alpha 3 chain; plus strand). Cytogenetic location: 2q36.3.
Variant type: single nucleotide variant.
Coding change: c.3079G>A on transcript NM_000091.5 (MANE Select); coding-DNA position 3079, G replaced by A.
Protein change: p.Gly1027Arg; replaces glycine 1027 with arginine.
Molecular consequence: missense variant.
Genome position (GRCh38, 1-based): chr2:227,290,755, G>A. VCF-style: chr2-227290755-G-A. GRCh37 (hg19) VCF-style: chr2-228155471-G-A.
Other names: short protein forms G1027R.
Identifiers: ClinVar variation 3586083 (VCV003586083.3).
Genomic context (GRCh38, chr2:227,290,755, plus strand): 5'-TCAAGATCCTCATGTTTATCTATTTTACTCTATGTTTTCCCCCTAATTTCAGGTTCTAAA[G>A]GAAAAAGGGGAACTTTGGGATTCCCAGGTCGAGCAGGAAGACCAGGCCTCCCAGGTATTC-3'
Protein context (NP_000082.2, residues 1017-1037): MGNMGMPGSK[Gly1027Arg]KRGTLGFPGR

ClinVar aggregate classification (germline): Conflicting classifications of pathogenicity. Review status: criteria provided, conflicting classifications (1 of 4 stars). 2 submissions from 2 submitters: Likely pathogenic (1); Uncertain significance (1). Last evaluated 2025-02-13.

Conditions:
Autosomal dominant Alport syndrome (ATS3A). Also called: Alport syndrome dominant type; Renal failure and sensorineural hearing loss; ALPORT SYNDROME 3A, AUTOSOMAL DOMINANT. Identifiers: Orphanet 63, Orphanet 88918, MedGen C5882663, MONDO:0007086, OMIM 104200.
Hematuria, benign familial, 2 (BFH2). Identifiers: MedGen C5830421, MONDO:0958186, OMIM 620320.
Alport syndrome 3b, autosomal recessive. Identifiers: MedGen C5882699, MONDO:0957811, OMIM 620536.

Submissions (2):

Labcorp Genetics (formerly Invitae), Labcorp
Classification: Uncertain significance. Last evaluated: 2025-02-13. Review status: criteria provided, single submitter. Criteria: Invitae Variant Classification Sherloc (09022015). Collection method: clinical testing. Allele origin: germline.
Comment: This sequence change replaces glycine, which is neutral and non-polar, with arginine, which is basic and polar, at codon 1027 of the COL4A3 protein (p.Gly1027Arg). This variant is not present in population databases (gnomAD no frequency). This missense change has been observed in individual(s) with autosomal dominant Alport syndrome (internal data). It has also been observed to segregate with disease in related individuals. ClinVar contains an entry for this variant (Variation ID: 3586083). Invitae Evidence Modeling of protein sequence and biophysical properties (such as structural, functional, and spatial information, amino acid conservation, physicochemical variation, residue mobility, and thermodynamic stability) indicates that this missense variant is expected to disrupt COL4A3 protein function with a positive predictive value of 80%. In summary, the available evidence is currently insufficient to determine the role of this variant in disease. Therefore, it has been classified as a Variant of Uncertain Significance.

Fulgent Genetics
Classification: Likely pathogenic for Autosomal dominant Alport syndrome; Hematuria, benign familial, 2; Alport syndrome 3b, autosomal recessive. Last evaluated: 2023-12-28. Review status: criteria provided, single submitter. Criteria: ACMG Guidelines, 2015. Collection method: clinical testing. Allele origin: germline.